The following is an entry in ClinVar:

NM_153700.2(STRC):c.3305G>A (p.Arg1102Gln)

Gene: STRC (stereocilin; minus strand). Cytogenetic location: 15q15.3.
Variant type: single nucleotide variant.
Coding change: c.3305G>A on transcript NM_153700.2 (MANE Select); coding-DNA position 3305, G replaced by A.
Protein change: p.Arg1102Gln; replaces arginine 1102 with glutamine.
Molecular consequence: missense variant.
Genome position (GRCh38, 1-based): chr15:43,611,149, C>T on the plus strand (G>A on the coding strand, the complement: STRC is on the minus strand). VCF-style: chr15-43611149-C-T. GRCh37 (hg19) VCF-style: chr15-43903347-C-T.
Other names: short protein forms R1102Q.
Identifiers: ClinVar variation 2570901 (VCV002570901.28), dbSNP rs768051171, ClinGen allele CA7528396.

ClinVar aggregate classification (germline): Uncertain significance. Review status: criteria provided, multiple submitters, no conflicts (2 of 4 stars). 2 submissions from 2 submitters: Uncertain significance (2). Last evaluated 2024-09-03.

Conditions:
Inborn genetic diseases. Identifiers: MedGen C0950123, MeSH D030342.

Allele frequency attached by ClinVar (database versions not stated): gnomAD 0.00002; gnomAD exomes 0.00006.
gnomAD v4.1: 80 of 1,414,966 alleles (0.0057%); highest among the groups gnomAD compares: Non-Finnish European, 0.0067%; no homozygotes.

Submissions (2):

Ambry Genetics
Classification: Uncertain significance for Inborn genetic diseases. Last evaluated: 2024-09-03. Review status: criteria provided, single submitter. Criteria: Ambry Variant Classification Scheme 2023. Collection method: clinical testing. Allele origin: germline.

CeGaT Center for Human Genetics Tuebingen
Classification: Uncertain significance. Last evaluated: 2023-04-01. Review status: criteria provided, single submitter. Criteria: CeGaT Center For Human Genetics Tuebingen Variant Classification Criteria Version 2. Collection method: clinical testing. Allele origin: germline. Affected: yes. Observed: 1 variant allele.
Comment: STRC: PM2